The following is an entry in ClinVar:

ClinVar aggregate classification (germline): Likely benign (0 of 4 stars; one submission).

Conditions:
AP4E1-related disorder. Also called: AP4E1-related condition.

Submission:

PreventionGenetics, part of Exact Sciences
Classification: Likely benign for AP4E1-related condition. Last evaluated: 2022-01-12. Review status: no assertion criteria provided. Collection method: clinical testing. Allele origin: germline.
Comment: This variant is classified as likely benign based on ACMG/AMP sequence variant interpretation guidelines (Richards et al. 2015 PMID: 25741868, with internal and published modifications).

NM_007347.5(AP4E1):c.3254-7_3254-3del

Gene: AP4E1 (adaptor related protein complex 4 subunit epsilon 1; plus strand). Cytogenetic location: 15q21.2.
Variant type: Microsatellite.
Coding change: c.3254-7_3254-3del on transcript NM_007347.5 (MANE Select); 7 bases into the intron before coding-DNA position 3254 through 3 bases into the intron before coding-DNA position 3254, 5 bases deleted (GTTTT; older notation c.3254-7_3254-3delGTTTT).
Molecular consequence: intron variant.
Genome position (GRCh38, 1-based): chr15:51,002,495-51,002,499, GTTTT deleted; deleting any 5 consecutive bases within chr15:51,002,486-51,002,499 gives the same sequence; the c. name uses the placement nearest the transcript's 3' end. VCF-style (leftmost placement, unchanged base first): chr15-51002485-CTTTTG-C. GRCh37 (hg19) VCF-style: chr15-51294682-CTTTTG-C.
Other names: c.3029-7_3029-3del (NM_001252127.2).
Identifiers: ClinVar variation 3029495 (VCV003029495.2), dbSNP rs1465935177, ClinGen allele CA617897414.